The following is an entry in ClinVar:

NM_025132.4(WDR19):c.3114+3T>C

Gene: WDR19 (WD repeat domain 19; plus strand). Cytogenetic location: 4p14.
Variant type: single nucleotide variant.
Coding change: c.3114+3T>C on transcript NM_025132.4 (MANE Select); 3 bases into the intron after coding-DNA position 3114, T replaced by C.
Molecular consequence: intron variant.
Genome position (GRCh38, 1-based): chr4:39,255,963, T>C. VCF-style: chr4-39255963-T-C. GRCh37 (hg19) VCF-style: chr4-39257583-T-C.
Other names: c.2634+3T>C (NM_001317924.2).
Identifiers: ClinVar variation 1525562 (VCV001525562.6), dbSNP rs1275093466, ClinGen allele CA550721107.
Genomic context (GRCh38, chr4:39,255,963, plus strand): 5'-AGAAAAGAGATATCTTCAGGCTGGAAAATTCTTCTTGCTGTGTGGCCAATATTCACGAGT[T>C]AGTATTTGCCAAGAAAATATACACTGACTCCGCAGGAATAATTGTAGGAAATATACGTAA-3'

ClinVar aggregate classification (germline): Uncertain significance. Review status: criteria provided, multiple submitters, no conflicts (2 of 4 stars). 2 submissions from 2 submitters: Uncertain significance (2). Last evaluated 2025-09-02.

Conditions:
Spermatogenic failure 72 (SPGF72). Identifiers: MedGen C5676980, MONDO:0030809, OMIM 619867.
Asphyxiating thoracic dystrophy 5 (SRTD5). Also called: SHORT-RIB THORACIC DYSPLASIA 5 WITH OR WITHOUT POLYDACTYLY; SHORT-RIB THORACIC DYSPLASIA 5 WITHOUT POLYDACTYLY. Identifiers: Orphanet 474, MedGen C3280598, MONDO:0013717, OMIM 614376.
Nephronophthisis 13 (NPHP13). Identifiers: Orphanet 655, MedGen C3280612, MONDO:0013718, OMIM 614377.
Cranioectodermal dysplasia 4 (CED4). Identifiers: Orphanet 1515, MedGen C3280616, MONDO:0013719, OMIM 614378.
Senior-Loken syndrome 8 (SLSN8). Identifiers: Orphanet 3156, MedGen C4225376, MONDO:0014579, OMIM 616307.

Allele frequency attached by ClinVar (database versions not stated): gnomAD 0.00001; gnomAD exomes 0.00001; TOPMed 0.00001.
gnomAD v4.1: 16 of 1,492,466 alleles (0.0011%); highest among the groups gnomAD compares: Non-Finnish European, 0.0014%; no homozygotes.

Submissions (2):

Labcorp Genetics (formerly Invitae), Labcorp
Classification: Uncertain significance for Senior-Loken syndrome 8; Asphyxiating thoracic dystrophy 5. Last evaluated: 2025-09-02. Review status: criteria provided, single submitter. Criteria: Invitae Variant Classification Sherloc (09022015). Collection method: clinical testing. Allele origin: germline.
Comment: This sequence change falls in intron 27 of the WDR19 gene. It does not directly change the encoded amino acid sequence of the WDR19 protein. It affects a nucleotide within the consensus splice site. The frequency data for this variant in the population databases is considered unreliable, as metrics indicate poor data quality at this position in the gnomAD database. This variant has not been reported in the literature in individuals affected with WDR19-related conditions. ClinVar contains an entry for this variant (Variation ID: 1525562). Variants that disrupt the consensus splice site are a relatively common cause of aberrant splicing (PMID: 17576681, 9536098). Algorithms developed to predict the effect of sequence changes on RNA splicing suggest that this variant may disrupt the consensus splice site. In summary, the available evidence is currently insufficient to determine the role of this variant in disease. Therefore, it has been classified as a Variant of Uncertain Significance.

Fulgent Genetics
Classification: Uncertain significance for Asphyxiating thoracic dystrophy 5; Nephronophthisis 13; Cranioectodermal dysplasia 4; Senior-Loken syndrome 8; Spermatogenic failure 72. Last evaluated: 2024-05-10. Review status: criteria provided, single submitter. Criteria: ACMG Guidelines, 2015. Collection method: clinical testing. Allele origin: germline.

Literature cited by the submitters: PubMed 17576681 (cited by Labcorp Genetics (formerly Invitae), Labcorp); PubMed 9536098 (cited by Labcorp Genetics (formerly Invitae), Labcorp).